The following is an entry in ClinVar:

ClinVar aggregate classification (germline): Uncertain significance. Review status: criteria provided, multiple submitters, no conflicts (2 of 4 stars). 3 submissions from 3 submitters: Uncertain significance (2). 1 of the submissions does not count toward it. Last evaluated 2025-08-18.

Conditions:
Nemaline myopathy 2 (NEM2). Also called: Nemaline myopathy 2, autosomal recessive. Identifiers: MedGen C1850569, MONDO:0009725, OMIM 256030.

Allele frequency attached by ClinVar (database versions not stated): gnomAD 0.00003 and 0.00004; TOPMed 0.00005.
gnomAD v4.1: 11 of 1,613,818 alleles (0.00068%); highest among the groups gnomAD compares: Admixed American, 0.005%; no homozygotes.

Submissions (3):

Labcorp Genetics (formerly Invitae), Labcorp
Classification: Uncertain significance for Nemaline myopathy 2. Last evaluated: 2025-08-18. Review status: criteria provided, single submitter. Criteria: Invitae Variant Classification Sherloc (09022015). Collection method: clinical testing. Allele origin: germline.
Comment: This sequence change replaces aspartic acid, which is acidic and polar, with asparagine, which is neutral and polar, at codon 2879 of the NEB protein (p.Asp2879Asn). This variant is not present in population databases (gnomAD no frequency). This variant has not been reported in the literature in individuals affected with NEB-related conditions. ClinVar contains an entry for this variant (Variation ID: 852487). Experimental studies and prediction algorithms are not available or were not evaluated, and the functional significance of this variant is currently unknown. In summary, the available evidence is currently insufficient to determine the role of this variant in disease. Therefore, it has been classified as a Variant of Uncertain Significance.

GeneDx
Classification: Uncertain significance. Last evaluated: 2022-12-01. Review status: criteria provided, single submitter. Criteria: GeneDx Variant Classification Process June 2021. Collection method: clinical testing. Allele origin: germline. Affected: yes.
Comment: Not observed at significant frequency in large population cohorts (gnomAD); In silico analysis supports that this missense variant has a deleterious effect on protein structure/function; Has not been previously published as pathogenic or benign to our knowledge

Natera, Inc.
Classification: Uncertain significance for Nemaline myopathy type 2. Last evaluated: 2020-09-16. Review status: no assertion criteria provided. Collection method: clinical testing. Allele origin: germline. Not counted in ClinVar's aggregate classification.

NM_001164508.2(NEB):c.8635G>A (p.Asp2879Asn)

Gene: NEB (nebulin; minus strand). Cytogenetic location: 2q23.3.
Variant type: single nucleotide variant.
Coding change: c.8635G>A on transcript NM_001164508.2 (MANE Select); coding-DNA position 8635, G replaced by A.
Protein change: p.Asp2879Asn; replaces aspartic acid 2879 with asparagine.
Molecular consequence: missense variant.
Genome position (GRCh38, 1-based): chr2:151,640,405, C>T on the plus strand (G>A on the coding strand, the complement: NEB is on the minus strand). VCF-style: chr2-151640405-C-T. GRCh37 (hg19) VCF-style: chr2-152496919-C-T.
Other names: c.8635G>A, p.Asp2879Asn (NM_001164507.2, NM_001271208.2, NM_004543.5); short protein forms D2879N.
Identifiers: ClinVar variation 852487 (VCV000852487.10), dbSNP rs767512294, ClinGen allele CA57664892.